The following is an entry in ClinVar:

ClinVar aggregate classification (germline): Uncertain significance (1 of 4 stars; one submission).

Submission:

Labcorp Genetics (formerly Invitae), Labcorp
Classification: Uncertain significance. Last evaluated: 2023-07-22. Review status: criteria provided, single submitter. Criteria: Invitae Variant Classification Sherloc (09022015). Collection method: clinical testing. Allele origin: germline.
Comment: This variant, c.267_275del, results in the deletion of 3 amino acid(s) of the DLX6 protein (p.His89_His91del), but otherwise preserves the integrity of the reading frame. The frequency data for this variant in the population databases is considered unreliable, as metrics indicate poor data quality at this position in the gnomAD database. This variant has not been reported in the literature in individuals affected with DLX6-related conditions. Experimental studies and prediction algorithms are not available or were not evaluated, and the functional significance of this variant is currently unknown. In summary, the available evidence is currently insufficient to determine the role of this variant in disease. Therefore, it has been classified as a Variant of Uncertain Significance.

NM_005222.4(DLX6):c.258CCA[3] (p.His89_His91del)

Genes: DLX6 (distal-less homeobox 6; plus strand), DLX6-AS1 (DLX6 antisense RNA 1; minus strand). Cytogenetic location: 7q21.3.
Variant type: Microsatellite.
Coding change: c.258CCA[3] on transcript NM_005222.4 (MANE Select); three copies in a row of the 3-base unit CCA starting at c.258; the reference has six copies in a row; three copies, 9 bases deleted.
Protein change: p.His89_His91del.
Molecular consequence: inframe deletion.
Genome position (GRCh38, 1-based): chr7:97,006,244-97,006,252, CCACCACCA deleted; deleting any 9 consecutive bases within chr7:97,006,233-97,006,252 gives the same sequence; the position shown is the placement nearest the transcript's 3' end. VCF-style (leftmost placement, unchanged base first): chr7-97006232-GCACCACCAC-G. GRCh37 (hg19) VCF-style: chr7-96635544-GCACCACCAC-G.
Identifiers: ClinVar variation 2899579 (VCV002899579.3), dbSNP rs746036175, ClinGen allele CA4353753.